The following is an entry in ClinVar:

NM_001164508.2(NEB):c.64G>A (p.Glu22Lys)

Gene: NEB (nebulin; minus strand). Cytogenetic location: 2q23.3.
Variant type: single nucleotide variant.
Coding change: c.64G>A on transcript NM_001164508.2 (MANE Select); coding-DNA position 64, G replaced by A.
Protein change: p.Glu22Lys; replaces glutamic acid 22 with lysine.
Molecular consequence: missense variant.
Genome position (GRCh38, 1-based): chr2:151,729,629, C>T on the plus strand (G>A on the coding strand, the complement: NEB is on the minus strand). VCF-style: chr2-151729629-C-T. GRCh37 (hg19) VCF-style: chr2-152586143-C-T.
Other names: c.64G>A, p.Glu22Lys (NM_001164507.2, NM_001271208.2, NM_004543.5); short protein forms E22K.
Identifiers: ClinVar variation 1370018 (VCV001370018.8), dbSNP rs2150994058, ClinGen allele CA348796879.

ClinVar aggregate classification (germline): Uncertain significance (1 of 4 stars; one submission).

Conditions:
Nemaline myopathy 2 (NEM2). Also called: Nemaline myopathy 2, autosomal recessive. Identifiers: MedGen C1850569, MONDO:0009725, OMIM 256030.

Submission:

Labcorp Genetics (formerly Invitae), Labcorp
Classification: Uncertain significance for Nemaline myopathy 2. Last evaluated: 2022-07-19. Review status: criteria provided, single submitter. Criteria: Invitae Variant Classification Sherloc (09022015). Collection method: clinical testing. Allele origin: germline.
Comment: Algorithms developed to predict the effect of sequence changes on RNA splicing suggest that this variant may disrupt the consensus splice site. In summary, the available evidence is currently insufficient to determine the role of this variant in disease. Therefore, it has been classified as a Variant of Uncertain Significance. Algorithms developed to predict the effect of missense changes on protein structure and function are either unavailable or do not agree on the potential impact of this missense change (SIFT: "Deleterious"; PolyPhen-2: "Not Available"; Align-GVGD: "Class C0"). ClinVar contains an entry for this variant (Variation ID: 1370018). This variant has not been reported in the literature in individuals affected with NEB-related conditions. This variant is not present in population databases (gnomAD no frequency). This sequence change replaces glutamic acid, which is acidic and polar, with lysine, which is basic and polar, at codon 22 of the NEB protein (p.Glu22Lys).